The following is an entry in ClinVar:

ClinVar aggregate classification (germline): Uncertain significance (1 of 4 stars; one submission).

gnomAD v4.1: 1 of 1,612,754 alleles (0.000062%); highest among the groups gnomAD compares: Non-Finnish European, 0.000085%; no homozygotes.

Submission:

Labcorp Genetics (formerly Invitae), Labcorp
Classification: Uncertain significance. Last evaluated: 2025-06-30. Review status: criteria provided, single submitter. Criteria: Invitae Variant Classification Sherloc (09022015). Collection method: clinical testing. Allele origin: germline.
Comment: This sequence change replaces alanine, which is neutral and non-polar, with glutamic acid, which is acidic and polar, at codon 341 of the C2 protein (p.Ala341Glu). This variant is not present in population databases (gnomAD no frequency). This variant has not been reported in the literature in individuals affected with C2-related conditions. Invitae Evidence Modeling of protein sequence and biophysical properties (such as structural, functional, and spatial information, amino acid conservation, physicochemical variation, residue mobility, and thermodynamic stability) indicates that this missense variant is not expected to disrupt C2 protein function with a negative predictive value of 80%. In summary, the available evidence is currently insufficient to determine the role of this variant in disease. Therefore, it has been classified as a Variant of Uncertain Significance.

NM_000063.6(C2):c.1022C>A (p.Ala341Glu)

Genes: C2 (complement C2; plus strand), C2-AS1 (C2 antisense RNA 1; minus strand). Cytogenetic location: 6p21.33.
Variant type: single nucleotide variant.
Coding change: c.1022C>A on transcript NM_000063.6 (MANE Select); coding-DNA position 1022, C replaced by A.
Protein change: p.Ala341Glu; replaces alanine 341 with glutamic acid.
Molecular consequence: missense variant.
Genome position (GRCh38, 1-based): chr6:31,937,352, C>A. VCF-style: chr6-31937352-C-A. GRCh37 (hg19) VCF-style: chr6-31905129-C-A.
Other names: c.626C>A, p.Ala209Glu (NM_001145903.3); c.380C>A, p.Ala127Glu (NM_001178063.3); c.284C>A, p.Ala95Glu (NM_001282457.2); c.935C>A, p.Ala312Glu (NM_001282458.2); short protein forms A127E, A312E, A341E, A95E, A209E.
Identifiers: ClinVar variation 4777654 (VCV004777654.1).
Genomic context (GRCh38, chr6:31,937,352, plus strand): 5'-AGAGTCCTTCCTTTTGGCATATTCCAGATCATGAAAATGGAACTGGGACTAACACCTATG[C>A]GGCCTTAAACAGTGTCTATCTCATGATGAACAACCAAATGCGACTCCTCGGCATGGAAAC-3'
Protein context (NP_000054.2, residues 331-351): HENGTGTNTY[Ala341Glu]ALNSVYLMMN